The following is an entry in ClinVar:

ClinVar aggregate classification (germline): not provided (0 of 4 stars; one submission).

Conditions:
Large for gestational age. Identifiers: MedGen C1848395, HP:0001520.

Submission:

Institute of Molecular and Cell Biology, University of Tartu
No classification provided. Condition: Large for gestational age. Review status: no classification provided. Collection method: case-control. Allele origin: unknown. Affected: yes. Study: Kasak2014.
Comment: The study aimed to determine the contribution of copy number variants in the genetic etiology of normal and complicated pregnancies. The samples represented (i) maternal blood DNA drawn from healthy pregnant women during 1st or 2nd trimester and (ii) maternal and paternal blood DNA drawn at term pregnancy cases representing normal and complicated gestations (severe preeclampsia, PE; gestational diabetes, GD; small-for-gestational age newborn, SGA; large-for-gestational age newborn, LGA). We performed CNV calling based on genome-wide genotyping dataset (Illumina HumanOmniExpress-24-v1 BeadChip) by applying three algorithms, QuantiSNP, GADA (Genome Alteration Detection Algorithm) and CNstream in parallel. The acquired CNV calls were merged with HD-CNV (Hotspot Detector for Copy Number Variants) program and only the CNVs predicted by at least two programs, were considered in subsequent analysis.

Literature cited by the submitters: PubMed 25666259.

Single allele

Variant type: Duplication.
Genome position: GRCh38: chr18:10,433,385-10,439,156. GRCh37 (hg19): chr18:10,433,382-10,439,153.
Identifiers: ClinVar variation 157409 (VCV000157409.2).